The following is an entry in ClinVar:

ClinVar aggregate classification (germline): Likely benign. Review status: criteria provided, multiple submitters, no conflicts (2 of 4 stars). 3 submissions from 3 submitters: Likely benign (3). Last evaluated 2024-04-24.

Conditions:
Hereditary cancer-predisposing syndrome. Also called: Tumor predisposition; Hereditary Cancer Syndrome; Hereditary neoplastic syndrome; Neoplastic Syndromes, Hereditary. Identifiers: Orphanet 140162, MedGen C0027672, MeSH D009386, MONDO:0015356.
Neurofibromatosis, type 1 (NF1). Also called: VON RECKLINGHAUSEN DISEASE; NEUROFIBROMATOSIS, TYPE I, SOMATIC; Peripheral type neurofibromatosis; Neurofibromatosis, type I. Identifiers: Orphanet 636, MedGen C0027831, MONDO:0018975, OMIM 162200. Disease mechanism: loss of function.

Allele frequency attached by ClinVar (database versions not stated): gnomAD exomes below 0.00001.
gnomAD v4.1: 2 of 1,613,720 alleles (0.00012%); highest among the groups gnomAD compares: Non-Finnish European, 0.00017%; no homozygotes.

Submissions (3):

Labcorp Genetics (formerly Invitae), Labcorp
Classification: Likely benign for Neurofibromatosis, type 1. Last evaluated: 2024-04-24. Review status: criteria provided, single submitter. Criteria: Invitae Variant Classification Sherloc (09022015). Collection method: clinical testing. Allele origin: germline.

Genome-Nilou Lab
Classification: Likely benign for Neurofibromatosis, type 1. Last evaluated: 2022-03-15. Review status: criteria provided, single submitter. Criteria: ACMG Guidelines, 2015. Collection method: clinical testing. Allele origin: germline. Affected: no.

Ambry Genetics
Classification: Likely benign for Hereditary cancer-predisposing syndrome. Last evaluated: 2015-09-04. Review status: criteria provided, single submitter. Criteria: Ambry Autosomal Dominant and X-Linked criteria (10/2015). Collection method: clinical testing. Allele origin: germline. Observed: 1 variant allele.
Comment: Synonymous alterations with insufficient evidence to classify as benign

NM_001042492.3(NF1):c.2286G>A (p.Leu762=)

Gene: NF1 (neurofibromin 1; plus strand). Cytogenetic location: 17q11.2.
Variant type: single nucleotide variant.
Coding change: c.2286G>A on transcript NM_001042492.3 (MANE Select); coding-DNA position 2286, G replaced by A.
Protein change: p.Leu762=; no amino-acid change (leucine 762 retained).
Molecular consequence: synonymous variant.
Genome position (GRCh38, 1-based): chr17:31,227,252, G>A. VCF-style: chr17-31227252-G-A. GRCh37 (hg19) VCF-style: chr17-29554270-G-A.
Other names: c.2286G>A, p.Leu762= (NM_000267.4).
Identifiers: ClinVar variation 233761 (VCV000233761.14), dbSNP rs876660624, ClinGen allele CA10580248.